The following is an entry in ClinVar:

NC_000017.10:g.(?_15134234)_(15164044_?)del

Gene: PMP22 (peripheral myelin protein 22; minus strand). Cytogenetic location: 17p12.
Variant type: Deletion.
Identifiers: ClinVar variation 1074660 (VCV001074660.2).

ClinVar aggregate classification (germline): Pathogenic (1 of 4 stars; one submission).

Conditions:
Charcot-Marie-Tooth disease, type I (CMT1). Also called: Charcot-Marie-Tooth disease type 1; Charcot-Marie-Tooth, Type 1. Identifiers: Orphanet 65753, MedGen C0751036, MONDO:0019011.

Submission:

Labcorp Genetics (formerly Invitae), Labcorp
Classification: Pathogenic for Charcot-Marie-Tooth disease, type I. Last evaluated: 2022-11-03. Review status: criteria provided, single submitter. Criteria: Invitae Variant Classification Sherloc (09022015). Collection method: clinical testing. Allele origin: germline.
Comment: A gross deletion of the genomic region encompassing the full coding sequence of the PMP22 gene has been identified. Loss-of-function variants in PMP22 are known to be pathogenic (PMID: 23224996). The boundaries of this event are unknown as they extend beyond the assayed region for this gene and therefore may encompass additional genes. A similar copy number variant has been observed in individual(s) with hereditary neuropathy with liability to pressure palsies (HNPP). Approximately 80% of individuals with HNPP have a 1.5Mb deletion at 17p11.2 (which includes PMP22) on one chromosome (PMID: 8894410, 20301566). For these reasons, this variant has been classified as Pathogenic.

Literature cited by the submitters: PubMed 23224996; PubMed 8894410; PubMed 20301566.